The following is an entry in ClinVar:

NM_001371986.1(UNC80):c.2006G>C (p.Ser669Thr)

Gene: UNC80 (unc-80 subunit of NALCN channel complex; plus strand). Cytogenetic location: 2q34.
Variant type: single nucleotide variant.
Coding change: c.2006G>C on transcript NM_001371986.1 (MANE Select); coding-DNA position 2006, G replaced by C.
Protein change: p.Ser669Thr; replaces serine 669 with threonine.
Molecular consequence: missense variant.
Genome position (GRCh38, 1-based): chr2:209,820,354, G>C. VCF-style: chr2-209820354-G-C. GRCh37 (hg19) VCF-style: chr2-210685078-G-C.
Other names: c.2006G>C, p.Ser669Thr (NM_032504.2, NM_182587.4); short protein forms S669T.
Identifiers: ClinVar variation 789567 (VCV000789567.14), dbSNP rs149024162, ClinGen allele CA2082989.

ClinVar aggregate classification (germline): Benign. Review status: criteria provided, multiple submitters, no conflicts (2 of 4 stars). 3 submissions from 3 submitters: Benign (2). 1 of the submissions does not count toward it. Last evaluated 2026-02-03.

Conditions:
UNC80-related disorder. Also called: UNC80-related condition.

Allele frequency attached by ClinVar (database versions not stated): gnomAD exomes 0.00120 and 0.00305; ExAC 0.00457; ESP Exome Variant Server 0.00986; 1000 Genomes Project 0.01158; gnomAD 0.01203 and 0.01287; 1000 Genomes Project 30x 0.01265; TOPMed 0.01318.
gnomAD v4.1: 3,633 of 1,551,320 alleles (0.23%); highest among the groups gnomAD compares: African/African-American, 3.9%; 76 homozygotes.

Submissions (3):

Labcorp Genetics (formerly Invitae), Labcorp
Classification: Benign. Last evaluated: 2026-02-03. Review status: criteria provided, single submitter. Criteria: Invitae Variant Classification Sherloc (09022015). Collection method: clinical testing. Allele origin: germline.

Breakthrough Genomics
Classification: Benign. Review status: criteria provided, single submitter. Criteria: ACMG Guidelines, 2015. Collection method: not provided. Allele origin: germline. Inheritance: Autosomal recessive inheritance. Affected: yes.

PreventionGenetics, part of Exact Sciences
Classification: Benign for UNC80-related condition. Last evaluated: 2019-07-19. Review status: no assertion criteria provided. Collection method: clinical testing. Allele origin: germline. Not counted in ClinVar's aggregate classification.
Comment: This variant is classified as benign based on ACMG/AMP sequence variant interpretation guidelines (Richards et al. 2015 PMID: 25741868, with internal and published modifications).